The following is an entry in ClinVar:

NM_006096.4(NDRG1):c.387T>G (p.Phe129Leu)

Gene: NDRG1 (N-myc downstream regulated 1; minus strand). Cytogenetic location: 8q24.22.
Variant type: single nucleotide variant.
Coding change: c.387T>G on transcript NM_006096.4 (MANE Select); coding-DNA position 387, T replaced by G.
Protein change: p.Phe129Leu; replaces phenylalanine 129 with leucine.
Molecular consequence: missense variant.
Genome position (GRCh38, 1-based): chr8:133,259,170, A>C on the plus strand (T>G on the coding strand, the complement: NDRG1 is on the minus strand). VCF-style: chr8-133259170-A-C. GRCh37 (hg19) VCF-style: chr8-134271413-A-C.
Other names: c.387T>G, p.Phe129Leu (NM_001135242.2, NM_001374844.1, NM_001374845.1 and 1 more transcripts); c.189T>G, p.Phe63Leu (NM_001258432.2, NM_001374847.1); c.144T>G, p.Phe48Leu (NM_001258433.2); short protein forms F48L, F63L, F129L.
Identifiers: ClinVar variation 909420 (VCV000909420.8), dbSNP rs574238421, ClinGen allele CA372255986.

ClinVar aggregate classification (germline): Uncertain significance. Review status: criteria provided, multiple submitters, no conflicts (2 of 4 stars). 2 submissions from 2 submitters: Uncertain significance (2). Last evaluated 2021-08-28.

Conditions:
Charcot-Marie-Tooth disease type 4. Also called: Charcot-Marie-Tooth disease, type IV; Charcot-Marie-Tooth, Type 4. Identifiers: Orphanet 64749, MedGen C4082197, MONDO:0018995.
Charcot-Marie-Tooth disease type 4D. Also called: Charcot-Marie-Tooth Neuropathy Type 4D; CHARCOT-MARIE-TOOTH DISEASE, DEMYELINATING, TYPE 4D; CHARCOT-MARIE-TOOTH DISEASE, DEMYELINATING, AUTOSOMAL RECESSIVE, TYPE 4D; NEUROPATHY, HEREDITARY MOTOR AND SENSORY, LOM TYPE. Identifiers: Orphanet 99950, MedGen C1832334, MONDO:0011085, OMIM 601455.

Allele frequency attached by ClinVar (database versions not stated): gnomAD exomes below 0.00001.
gnomAD v4.1: 4 of 1,614,114 alleles (0.00025%); highest among the groups gnomAD compares: Non-Finnish European, 0.000085%; no homozygotes.

Submissions (2):

Labcorp Genetics (formerly Invitae), Labcorp
Classification: Uncertain significance for Charcot-Marie-Tooth disease type 4. Last evaluated: 2021-08-28. Review status: criteria provided, single submitter. Criteria: Invitae Variant Classification Sherloc (09022015). Collection method: clinical testing. Allele origin: germline.
Comment: This sequence change replaces phenylalanine with leucine at codon 129 of the NDRG1 protein (p.Phe129Leu). The phenylalanine residue is moderately conserved and there is a small physicochemical difference between phenylalanine and leucine. This variant is not present in population databases (ExAC no frequency). This variant has not been reported in the literature in individuals affected with NDRG1-related conditions. Algorithms developed to predict the effect of missense changes on protein structure and function (SIFT, PolyPhen-2, Align-GVGD) all suggest that this variant is likely to be tolerated. In summary, the available evidence is currently insufficient to determine the role of this variant in disease. Therefore, it has been classified as a Variant of Uncertain Significance.

Illumina Laboratory Services, Illumina
Classification: Uncertain significance for Charcot-Marie-Tooth disease type 4D. Last evaluated: 2018-03-02. Review status: criteria provided, single submitter. Criteria: ICSL Variant Classification Criteria 13 December 2019. Collection method: clinical testing. Allele origin: germline.